The following is an entry in ClinVar:

NM_000520.6(HEXA):c.1228del (p.Ala410fs)

Gene: HEXA (hexosaminidase subunit alpha; minus strand). Cytogenetic location: 15q23.
Variant type: Deletion.
Coding change: c.1228del on transcript NM_000520.6 (MANE Select); coding-DNA position 1228, one base deleted (G; older notation c.1228delG).
Protein change: p.Ala410fs; shifts the reading frame from alanine 410.
Molecular consequence: frameshift variant.
Genome position (GRCh38, 1-based): chr15:72,346,629, C deleted on the plus strand (G on the coding strand, the reverse complement: HEXA is on the minus strand); the first of 2 consecutive C bases (chr15:72,346,629-72,346,630); deleting either gives the same sequence. VCF-style (leftmost placement, unchanged base first): chr15-72346628-GC-G. GRCh37 (hg19) VCF-style: chr15-72638969-GC-G.
Other names: c.1261del, p.Ala421fs (NM_001318825.2); short protein forms A410fs, A421fs.
Identifiers: ClinVar variation 4818712 (VCV004818712.1).

ClinVar aggregate classification (germline): Likely pathogenic (1 of 4 stars; one submission).

Conditions:
Tay-Sachs disease (TSD). Also called: HEXA DEFICIENCY; HEXA Disorders; GM2 gangliosidosis, type 1; Hexosaminidase alpha-subunit deficiency (variant B); Sphingolipidosis, Tay-Sachs; Hexosaminidase A Deficiency. Identifiers: Orphanet 845, MedGen C0039373, MONDO:0010100, OMIM 272800.

Submission:

Natera, Inc.
Classification: Likely pathogenic for Tay-Sachs disease. Last evaluated: 2025-09-24. Review status: criteria provided, single submitter. Criteria: Natera Variant Classification Schema (03/2026). Collection method: clinical testing. Allele origin: germline.
Comment: The c.1228del variant in HEXA is a frameshift variant predicted to shift the reading frame beginning at codon 410 and leads to a stop codon 13 codons downstream. This variant is expected to result in nonsense mediated decay, truncation, or a dysfunctional protein product. This variant is rare in the general population with a frequency below the threshold expected for the associated phenotype(s). Given the available evidence, this variant is classified as Likely Pathogenic.